The following is an entry in ClinVar:

ClinVar aggregate classification (germline): Pathogenic. Review status: criteria provided, multiple submitters, no conflicts (2 of 4 stars). 7 submissions from 7 submitters: Pathogenic (7). Last evaluated 2026-05-06.

Conditions:
ZIC2-related disorder. Also called: ZIC2-related condition.
Holoprosencephaly 5 (HPE5). Identifiers: Orphanet 2162, MedGen C1864827, MONDO:0012322, OMIM 609637.

Submissions (7):

Human Genetics Bochum, Ruhr University Bochum
Classification: Pathogenic for Holoprosencephaly 5. Last evaluated: 2026-05-06. Review status: criteria provided, single submitter. Criteria: ACMG Guidelines, 2015. Collection method: clinical testing. Allele origin: germline. Affected: yes.
Comment: de novo; ACMG criteria used to clasify this variant: PS2, PS4, PS3_SUP, PM2_SUP

GeneDx
Classification: Pathogenic. Last evaluated: 2025-04-11. Review status: criteria provided, single submitter. Criteria: GeneDx Variant Classification Process June 2021. Collection method: clinical testing. Allele origin: germline. Affected: yes.
Comment: Published functional studies demonstrate a loss of normal transcriptional regulation (PMID: 15590697); In-frame duplication of 10 amino acid(s) in a non-repeat region; Not observed at significant frequency in large population cohorts (gnomAD); This variant is associated with the following publications: (PMID: 9771712, 20104608, 12395298, 10556296, 19955556, 19177455, Owen2024[Abstract], 15590697, 11285244)

New York Genome Center
Classification: Pathogenic for Holoprosencephaly 5. Last evaluated: 2024-05-13. Review status: criteria provided, single submitter. Criteria: NYGC Assertion Criteria 2020. Collection method: clinical testing. Allele origin: inherited. Affected: yes. Observed: 1 variant allele, 1 heterozygote.
Comment: The c.1377_1406dup variant in ZIC2 has previously been reported in multiple unrelated individuals affected with ZIC2-related Holoprosencephaly either as de novo or parentally inherited [PMID: 9771712, 15590697, 11285244, 19177455, 19955556, 20531442]. The c.1377_1406dup has been deposited in ClinVar [ClinVar ID: 468365] as Pathogenic by multiple submitters. The c.1377_1406dup variant is absent from population databases (gnomAD v4.1.0, TOPMed Freeze 10, All of Us), suggesting it is not a common benign variant in the populations represented in those databases. The c.1377_1406dup is a head-to-tail 30-base repeat insertion in exon 3 of this 3-exon gene resulting in the alanine tract expansion; normally present at this position from 15 alanine to 25 alanine residues p.(Ala461_Ala470dup) [PMID: 11285244].In vitro functional studies demonstrated reduced DNA binding and loss of transcription activity in cells carrying the c.1377_1406dup variant [PMID: 15590697,19177455]. Based on available evidence the c.1377_1406dup, p.(Ala461_Ala470dup) variant identified in ZIC2 is classified as Pathogenic.

Labcorp Genetics (formerly Invitae), Labcorp
Classification: Pathogenic for Holoprosencephaly 5. Last evaluated: 2022-05-03. Review status: criteria provided, single submitter. Criteria: Invitae Variant Classification Sherloc (09022015). Collection method: clinical testing. Allele origin: germline.
Comment: This variant is not present in population databases (gnomAD no frequency). For these reasons, this variant has been classified as Pathogenic. Experimental studies have shown that this variant affects ZIC2 function (PMID: 15590697). Algorithms developed to predict the effect of variants on protein structure and function are not available or were not evaluated for this variant. ClinVar contains an entry for this variant (Variation ID: 468365). This variant has been observed in individuals with holoprosencephaly (PMID: 9771712, 11285244, 19955556). It has also been observed to segregate with disease in related individuals. This variant, c.1377_1406dup, results in the insertion of 10 amino acid(s) of the ZIC2 protein (p.Ala461_Ala470dup), but otherwise preserves the integrity of the reading frame.

Baylor Genetics
Classification: Pathogenic for Holoprosencephaly 5. Last evaluated: 2022-03-29. Review status: criteria provided, single submitter. Criteria: ACMG Guidelines, 2015. Collection method: clinical testing. Allele origin: unknown.

Blueprint Genetics
Classification: Pathogenic for ZIC2-related disorders. Last evaluated: 2019-03-29. Review status: criteria provided, single submitter. Criteria: ACMG Guidelines, 2015. Collection method: clinical testing. Allele origin: germline. Affected: yes. Observed: 1 variant allele.

Muenke lab, National Institutes of Health
Classification: Pathogenic for Holoprosencephaly 5. Last evaluated: 2017-03-15. Review status: criteria provided, single submitter. Criteria: ACMG Guidelines, 2015. Collection method: clinical testing. Allele origin: de novo. Inheritance: Sporadic. Affected: yes.

Literature cited by the submitters: PubMed 9771712 (cited by New York Genome Center and Labcorp Genetics (formerly Invitae), Labcorp); PubMed 15590697 (cited by New York Genome Center and Labcorp Genetics (formerly Invitae), Labcorp); PubMed 11285244 (cited by New York Genome Center and Labcorp Genetics (formerly Invitae), Labcorp); PubMed 19177455 (cited by New York Genome Center); PubMed 19955556 (cited by New York Genome Center and Labcorp Genetics (formerly Invitae), Labcorp); PubMed 20531442 (cited by New York Genome Center).

NM_007129.5(ZIC2):c.1377_1406dup (p.Ala461_Ala470dup)

Genes: ZIC2 (Zic family zinc finger 2; plus strand), LOC110008580 (Zic family member 2 polyalanine repeat instability region; plus strand). Cytogenetic location: 13q32.3.
Variant type: Duplication.
Coding change: c.1377_1406dup on transcript NM_007129.5 (MANE Select); coding-DNA positions 1377 to 1406, 30 bases duplicated (AGCGGCGGCGGCGGCTGCGGCGGCGGCGGC).
Protein change: p.Ala461_Ala470dup.
Molecular consequence: inframe insertion.
Genome position (GRCh38, 1-based): chr13:99,985,460-99,985,489, AGCGGCGGCGGCGGCTGCGGCGGCGGCGGC duplicated; duplicating any 30 consecutive bases within chr13:99,985,449-99,985,489 gives the same sequence; the c. name uses the placement nearest the transcript's 3' end. VCF-style (leftmost placement, unchanged base first): chr13-99985448-A-AGCGGCGGCGGCAGCGGCGGCGGCGGCTGCG. GRCh37 (hg19) VCF-style: chr13-100637702-A-AGCGGCGGCGGCAGCGGCGGCGGCGGCTGCG.
Other names: p.(Ala461_Ala470dup); c.1377_1406dupAGCGGCGGCGGCGGCTGCGGCGGCGGCGGC (NM_007129.3).
Identifiers: ClinVar variation 468365 (VCV000468365.15), dbSNP rs756225250, ClinGen allele CA658658236.